The following is an entry in ClinVar:

NM_020702.5(MYORG):c.954G>T (p.Trp318Cys)

Gene: MYORG (myogenesis regulating glycosidase; minus strand). Cytogenetic location: 9p13.3.
Variant type: single nucleotide variant.
Coding change: c.954G>T on transcript NM_020702.5 (MANE Select); coding-DNA position 954, G replaced by T.
Protein change: p.Trp318Cys; replaces tryptophan 318 with cysteine.
Molecular consequence: missense variant.
Genome position (GRCh38, 1-based): chr9:34,371,990, C>A on the plus strand (G>T on the coding strand, the complement: MYORG is on the minus strand). VCF-style: chr9-34371990-C-A. GRCh37 (hg19) VCF-style: chr9-34371988-C-A.
Other names: short protein forms W318C.
Identifiers: ClinVar variation 2572383 (VCV002572383.1), dbSNP rs2491653819, ClinGen allele CA373242868.

ClinVar aggregate classification (germline): Uncertain significance (1 of 4 stars; one submission).

Conditions:
Basal ganglia calcification, idiopathic, 7, autosomal recessive. Also called: PRIMARY FAMILIAL BRAIN CALCIFICATION 7, AUTOSOMAL RECESSIVE. Identifiers: MedGen C5193025, MONDO:0032673, OMIM 618317.

Allele frequency attached by ClinVar (database versions not stated): gnomAD exomes below 0.00001.

Submission:

3billion
Classification: Uncertain significance for Basal ganglia calcification, idiopathic, 7, autosomal recessive. Review status: criteria provided, single submitter. Criteria: ACMG Guidelines, 2015. Collection method: clinical testing. Allele origin: unknown. Affected: yes. Observed: 2 variant alleles, 2 homozygotes. Clinical features observed: Gait disturbance (HP:0001288), Gait disturbance (HP:0002355), Spasticity (HP:0001257), Progressive spasticity (HP:0002191), Lower limb spasticity (HP:0002061), Upper limb spasticity (HP:0006986), Pseudobulbar signs (HP:0002200), Spasticity of pharyngeal muscles (HP:0002501), Spasticity of facial muscles (HP:0002491), Hypertonia (HP:0001276), Generalized dystonia (HP:0007325), Axial dystonia (HP:0002530), and 27 more.
Comment: The variant is not observed in the gnomAD v2.1.1 dataset. Protein truncation variants are a common disease-causing mechanism. In silico tool predictions suggest damaging effect of the variant on gene or gene product (REVEL: 0.72; 3Cnet: 0.58). Therefore, this variant is classified as Uncertain significance according to the recommendation of ACMG/AMP guideline.